The following is an entry in ClinVar:

NM_018194.6(HHAT):c.218G>A (p.Trp73Ter)

Gene: HHAT (hedgehog acyltransferase; plus strand). Cytogenetic location: 1q32.2.
Variant type: single nucleotide variant.
Coding change: c.218G>A on transcript NM_018194.6 (MANE Select); coding-DNA position 218, G replaced by A.
Protein change: p.Trp73Ter; replaces tryptophan 73 with a stop codon.
Molecular consequence: nonsense.
Genome position (GRCh38, 1-based): chr1:210,387,526, G>A. VCF-style: chr1-210387526-G-A. GRCh37 (hg19) VCF-style: chr1-210560870-G-A.
Other names: c.218G>A, p.Trp73Ter (NM_001122834.4, NM_001170564.3, NM_001170580.3 and 1 more transcripts); c.221G>A, p.Trp74Ter (NM_001170587.3); short protein forms W73*, W74*.
Identifiers: ClinVar variation 3731614 (VCV003731614.1).

ClinVar aggregate classification (germline): Likely pathogenic (0 of 4 stars; one submission).

Conditions:
Chondrodysplasia-pseudohermaphroditism syndrome. Also called: Chondrodysplasia pseudohermaphrodism syndrome; Pseudohermaphrodism and chondrodysplasia. Identifiers: Orphanet 1422, MedGen C1838654, MONDO:0010814, OMIM 600092.

Submission:

Department of Pediatric Genetics, University of Health Sciences, Ankara Bilkent City Children’s Hospital
Classification: Likely pathogenic for Chondrodysplasia-pseudohermaphroditism syndrome. Last evaluated: 2024-12-01. Review status: no assertion criteria provided. Collection method: clinical testing. Allele origin: biparental. Affected: yes. Clinical features observed: microcephaly, coloboma, microphthalmia, optic nerve hypoplasia, brachydactyly, distal phalangeal hypoplasia, dysplastic nails, mild intellectual disability, muscle spasm, seizure, cerebellar vermis hypoplasia, gonadal dysgenesis, and 1 more.
Comment: The c.218G>A p.Trp73Ter variant in the HHAT gene (NM_018194.6) is a nonsense variant in exon 4, not previously reported in the ClinVar. This variant was found in two siblings with microcephaly, coloboma, microphthalmia, brachydactyly, mild intellectual disability, muscle spasm, cerebellar vermis hypoplasia, gonadal dysgenesis which is a highly specific phenotype for Nivelon Nivelon Mabille syndrome. This nonsense variant leads to a premature termination codon at position 73, which is predicted to result in loss of function by a truncated or absent protein (PVS1). Allele frequency not reported. This variant is not present in population databases (gnomAD no frequency) (PM2). This variant was detected alongside another uncertain significance variant (c.972C>G p.Cys324Trp), located in trans with the current variant in two siblings with a similar phenotype (PM3). In summary, this variant meets criteria to be classified as likely pathogenic for Nivelon Nivelon Mabille syndrome based on the ACMG criteria applied: PVS1, PM2, PM3 (Richards 2015).